The following is an entry in ClinVar:

ClinVar aggregate classification (germline): Pathogenic/Likely pathogenic. Review status: criteria provided, multiple submitters, no conflicts (2 of 4 stars). 4 submissions from 4 submitters: Pathogenic (1); Likely pathogenic (3). Last evaluated 2024-03-04.

Conditions:
Bifunctional peroxisomal enzyme deficiency (DBIF). Also called: D-bifunctional protein deficiency; DBP DEFICIENCY; PBFE DEFICIENCY. Identifiers: Orphanet 300, MedGen C0342870, MONDO:0009855, OMIM 261515. Disease mechanism: loss of function.
Perrault syndrome. Also called: Gonadal dysgenesis with auditory dysfunction, autosomal recessive inheritance. Identifiers: Orphanet 2855, MedGen C0685838, MONDO:0017312.

Submissions (4):

Natera, Inc.
Classification: Likely pathogenic for Bifunctional peroxisomal enzyme deficiency. Last evaluated: 2024-03-04. Review status: criteria provided, single submitter. Criteria: Natera Variant Classification Schema (03/2026). Collection method: clinical testing. Allele origin: germline.
Comment: The c.1383_1384delCT variant in HSD17B4 is a frameshift variant predicted to shift the reading frame beginning at codon 462 and leads to a stop codon 24 codons downstream. This variant is expected to result in nonsense mediated decay, truncation, or a dysfunctional protein product. This variant is rare in the general population with a frequency below the threshold expected for the associated phenotype(s). Given the available evidence, this variant is classified as Likely Pathogenic.

Baylor Genetics
Classification: Likely pathogenic for Bifunctional peroxisomal enzyme deficiency. Last evaluated: 2023-08-19. Review status: criteria provided, single submitter. Criteria: ACMG Guidelines, 2015. Collection method: clinical testing. Allele origin: unknown.

Labcorp Genetics (formerly Invitae), Labcorp
Classification: Pathogenic for Perrault syndrome; Bifunctional peroxisomal enzyme deficiency. Last evaluated: 2023-08-10. Review status: criteria provided, single submitter. Criteria: Invitae Variant Classification Sherloc (09022015). Collection method: clinical testing. Allele origin: germline.
Comment: This sequence change creates a premature translational stop signal (p.Phe462Serfs*24) in the HSD17B4 gene. It is expected to result in an absent or disrupted protein product. Loss-of-function variants in HSD17B4 are known to be pathogenic (PMID: 11810648, 16385454, 20673864). This variant is not present in population databases (gnomAD no frequency). This variant has not been reported in the literature in individuals affected with HSD17B4-related conditions. For these reasons, this variant has been classified as Pathogenic.

Revvity Omics, Revvity
Classification: Likely pathogenic. Last evaluated: 2021-09-29. Review status: criteria provided, single submitter. Criteria: ACMG Guidelines, 2015. Collection method: clinical testing. Allele origin: germline.

Literature cited by the submitters: PubMed 11810648 (cited by Labcorp Genetics (formerly Invitae), Labcorp); PubMed 16385454 (cited by Labcorp Genetics (formerly Invitae), Labcorp); PubMed 20673864 (cited by Labcorp Genetics (formerly Invitae), Labcorp).

NM_000414.4(HSD17B4):c.1383_1384del (p.Phe462fs)

Gene: HSD17B4 (hydroxysteroid 17-beta dehydrogenase 4; plus strand). Cytogenetic location: 5q23.1.
Variant type: Microsatellite.
Coding change: c.1383_1384del on transcript NM_000414.4 (MANE Select); coding-DNA positions 1383 to 1384, 2 bases deleted (CT; older notation c.1383_1384delCT).
Protein change: p.Phe462fs; shifts the reading frame from phenylalanine 462.
Molecular consequence: frameshift variant. On other transcripts: non-coding transcript variant (2).
Genome position (GRCh38, 1-based): chr5:119,509,190-119,509,191, CT deleted; deleting any 2 consecutive bases within chr5:119,509,183-119,509,191 gives the same sequence; the c. name uses the placement nearest the transcript's 3' end. VCF-style (leftmost placement, unchanged base first): chr5-119509182-TTC-T. GRCh37 (hg19) VCF-style: chr5-118844877-TTC-T.
Other names: c.1374_1375del, p.Phe459fs (NM_001374497.1); c.1311_1312del, p.Phe438fs (NM_001374498.1, NM_001292027.2); c.1056_1057del, p.Phe353fs (NM_001374499.1); c.942_943del, p.Phe315fs (NM_001374500.1); c.972_973del, p.Phe325fs (NM_001374501.1, NM_001374502.1, NM_001374503.1); c.1383_1384delCT (NM_000414.3); c.1458_1459del, p.Phe487fs (NM_001199291.3); c.1329_1330del, p.Phe444fs (NM_001199292.2); and 1 more; short protein forms F315fs, F322fs, F325fs, F353fs, F438fs, F444fs, F459fs, F462fs.
Identifiers: ClinVar variation 1324548 (VCV001324548.9), dbSNP rs2126814260, ClinGen allele CA2580613643.